The following is an entry in ClinVar:

ClinVar aggregate classification (germline): Pathogenic. Review status: criteria provided, multiple submitters, no conflicts (2 of 4 stars). 2 submissions from 2 submitters: Pathogenic (2). Last evaluated 2021-05-30.

Conditions:
Hyperparathyroidism 2 with jaw tumors. Also called: Hyperparathyroidism 2; Hyperparathyroidism-Jaw Tumor Syndrome; HYPERPARATHYROIDISM, FAMILIAL PRIMARY, WITH MULTIPLE OSSIFYING JAW FIBROMAS; HYPERPARATHYROIDISM-JAW TUMOR SYNDROME, HEREDITARY. Identifiers: Orphanet 99880, MedGen C1704981, MONDO:0007768, OMIM 145001.
Hyperparathyroidism 1 (HRPT1). Also called: HYPERPARATHYROIDISM, FAMILIAL ISOLATED PRIMARY. Identifiers: Orphanet 99879, MedGen C1840402, MONDO:0007767, OMIM 145000.
Parathyroid carcinoma (PRTC). Also called: CDC73-Related Parathyroid Carcinoma; Parathyroid gland carcinoma. Identifiers: Orphanet 143, MedGen C0687150, MONDO:0012004, OMIM 608266, HP:0006780.

Submissions (2):

Labcorp Genetics (formerly Invitae), Labcorp
Classification: Pathogenic for Parathyroid carcinoma. Last evaluated: 2021-05-30. Review status: criteria provided, single submitter. Criteria: Invitae Variant Classification Sherloc (09022015). Collection method: clinical testing. Allele origin: germline.
Comment: This sequence change creates a premature translational stop signal (p.Tyr293Leufs*18) in the CDC73 gene. It is expected to result in an absent or disrupted protein product. Loss-of-function variants in CDC73 are known to be pathogenic (PMID: 12434154). This variant is not present in population databases (ExAC no frequency). This variant has not been reported in the literature in individuals with CDC73-related conditions. For these reasons, this variant has been classified as Pathogenic.

Juno Genomics, Hangzhou Juno Genomics, Inc
Classification: Pathogenic for Hyperparathyroidism 1; Hyperparathyroidism 2 with jaw tumors; Parathyroid carcinoma. Review status: criteria provided, single submitter. Criteria: ACMG Guidelines, 2015. Collection method: clinical testing. Allele origin: germline.
Comment: Null variant in a gene where loss of function (LOF) is a known mechanism of disease.;Absent from controls (or at extremely low frequency if recessive) in Genome Aggregation Database.;The prevalence of the variant in affected individuals is significantly increased compared to the prevalence in controls.

Literature cited by the submitters: PubMed 12434154 (cited by Labcorp Genetics (formerly Invitae), Labcorp).

NM_024529.5(CDC73):c.877dup (p.Tyr293fs)

Gene: CDC73 (cell division cycle 73; plus strand). Cytogenetic location: 1q31.2.
Variant type: Duplication.
Coding change: c.877dup on transcript NM_024529.5 (MANE Select); coding-DNA position 877, one base duplicated (T; older notation c.877dupT).
Protein change: p.Tyr293fs; shifts the reading frame from tyrosine 293.
Molecular consequence: frameshift variant.
Genome position (GRCh38, 1-based): chr1:193,150,352, T duplicated. VCF-style (leftmost placement, unchanged base first): chr1-193150351-A-AT. GRCh37 (hg19) VCF-style: chr1-193119481-A-AT.
Other names: short protein forms Y293fs.
Identifiers: ClinVar variation 1454174 (VCV001454174.8), dbSNP rs2103132218, ClinGen allele CA2573131366.